The following is an entry in ClinVar:

ClinVar aggregate classification (germline): Uncertain significance. Review status: criteria provided, multiple submitters, no conflicts (2 of 4 stars). 6 submissions from 6 submitters: Uncertain significance (6). Last evaluated 2025-11-09.

Conditions:
Hereditary cancer-predisposing syndrome. Also called: Hereditary Cancer Syndrome; Neoplastic Syndromes, Hereditary; Tumor predisposition; Hereditary neoplastic syndrome. Identifiers: Orphanet 140162, MedGen C0027672, MeSH D009386, MONDO:0015356.
Familial cancer of breast. Also called: Hereditary breast cancer; BREAST CANCER, FAMILIAL; hereditary breast carcinoma. Identifiers: Orphanet 227535, MedGen C0346153, MONDO:0016419, OMIM 114480. Disease mechanism: loss of function.

Allele frequency attached by ClinVar (database versions not stated): gnomAD exomes below 0.00001; ExAC 0.00001.
gnomAD v4.1: 6 of 1,613,446 alleles (0.00037%); highest among the groups gnomAD compares: Non-Finnish European, 0.00051%; no homozygotes.

Submissions (6):

Ambry Genetics
Classification: Uncertain significance for Hereditary cancer-predisposing syndrome. Last evaluated: 2025-11-09. Review status: criteria provided, single submitter. Criteria: Ambry Variant Classification Scheme 2023. Collection method: clinical testing. Allele origin: germline.
Comment: The p.G1068E variant (also known as c.3203G>A), located in coding exon 12 of the PALB2 gene, results from a G to A substitution at nucleotide position 3203. The glycine at codon 1068 is replaced by glutamic acid, an amino acid with similar properties. This alteration has been reported in 2/13087 breast cancer cases and 0/5488 control individuals in the UK (Decker B et al. J. Med. Genet., 2017 Nov;54:732-741). In another study, this variant was reported in 2/60,466 breast cancer cases and in 0/53,461 controls (Dorling et al. N Engl J Med. 2021 02;384:428-439). This amino acid position is highly conserved in available vertebrate species. In addition, the in silico prediction for this alteration is inconclusive. Since supporting evidence is limited at this time, the clinical significance of this alteration remains unclear.

Labcorp Genetics (formerly Invitae), Labcorp
Classification: Uncertain significance for Familial cancer of breast. Last evaluated: 2025-10-27. Review status: criteria provided, single submitter. Criteria: Invitae Variant Classification Sherloc (09022015). Collection method: clinical testing. Allele origin: germline.
Comment: This sequence change replaces glycine, which is neutral and non-polar, with glutamic acid, which is acidic and polar, at codon 1068 of the PALB2 protein (p.Gly1068Glu). This variant is not present in population databases (gnomAD no frequency). This missense change has been observed in individual(s) with breast cancer (PMID: 28779002, 30638972). ClinVar contains an entry for this variant (Variation ID: 490082). An algorithm developed to predict the effect of missense changes on protein structure and function (PolyPhen-2) suggests that this variant is likely to be disruptive. In summary, the available evidence is currently insufficient to determine the role of this variant in disease. Therefore, it has been classified as a Variant of Uncertain Significance.

Revvity Omics, Revvity
Classification: Uncertain significance. Last evaluated: 2025-03-17. Review status: criteria provided, single submitter. Criteria: ACMG Guidelines, 2015. Collection method: clinical testing. Allele origin: germline.

Color Diagnostics, LLC DBA Color Health
Classification: Uncertain significance for Hereditary cancer-predisposing syndrome. Last evaluated: 2024-03-19. Review status: criteria provided, single submitter. Criteria: ACMG Guidelines, 2015. Collection method: clinical testing. Allele origin: germline.
Comment: This missense variant replaces glycine with glutamic acid at codon 1068 of the PALB2 protein. Computational prediction suggests that this variant may not impact protein structure and function. To our knowledge, functional studies have not been reported for this variant. This variant has been reported in two individuals affected with breast cancer (PMID: 28779002) and an individual affected with unspecified cancer (PMID: 28873162), and this variant has been detected in a breast cancer case-control meta-analysis in 2/60466 cases and 0/53461 unaffected individuals (PMID: 33471991; Leiden Open Variation Database DB-ID PALB2_010771). This variant has been identified in 1/251408 chromosomes in the general population by the Genome Aggregation Database (gnomAD). The available evidence is insufficient to determine the role of this variant in disease conclusively. Therefore, this variant is classified as a Variant of Uncertain Significance.

Baylor Genetics
Classification: Uncertain significance for Familial cancer of breast. Last evaluated: 2023-07-19. Review status: criteria provided, single submitter. Criteria: ACMG Guidelines, 2015. Collection method: clinical testing. Allele origin: unknown.

Sema4
Classification: Uncertain significance for Hereditary cancer-predisposing syndrome. Last evaluated: 2021-11-27. Review status: criteria provided, single submitter. Criteria: Sema4 Curation Guidelines. Collection method: curation. Allele origin: germline.
Comment: The PALB2 c.3203G>A (p.G1068E) variant has been reported in individuals with breast cancer and unspecified cancer (PMID: 28779002, 30638972, 28873162). It has been reported in 2 cases and not in controls in a large dataset of 60,466 women with breast cancer and 53,461controls (PMID: 33471991). It was observed in 1/251408 chromosomes in the large and broad cohorts of the Genome Aggregation Database (PMID: 32461654). The variant has been reported in ClinVar (Variation ID 490082). Functional studies have not been performed, and in silico predictions of the variant's effect on protein function are inconclusive. Algorithms developed to predict the effect of sequence changes on RNA splicing suggest that this variant is not likely to affect RNA splicing, though these predictions have not been confirmed by transcriptional studies. The evidence is insufficient to meet ACMG/AMP criteria for classifying the variant as benign or pathogenic. Thus, the clinical significance of this variant is currently uncertain.

Literature cited by the submitters: PubMed 28779002 (cited by 4 submitters); PubMed 33471991 (cited by 3 submitters); PubMed 30638972 (cited by Labcorp Genetics (formerly Invitae), Labcorp and Sema4); PubMed 28873162 (cited by Color Diagnostics, LLC DBA Color Health and Sema4).

NM_024675.4(PALB2):c.3203G>A (p.Gly1068Glu)

Gene: PALB2 (partner and localizer of BRCA2; minus strand). Cytogenetic location: 16p12.2.
Variant type: single nucleotide variant.
Coding change: c.3203G>A on transcript NM_024675.4 (MANE Select); coding-DNA position 3203, G replaced by A.
Protein change: p.Gly1068Glu; replaces glycine 1068 with glutamic acid.
Molecular consequence: missense variant.
Genome position (GRCh38, 1-based): chr16:23,608,011, C>T on the plus strand (G>A on the coding strand, the complement: PALB2 is on the minus strand). VCF-style: chr16-23608011-C-T. GRCh37 (hg19) VCF-style: chr16-23619332-C-T.
Other names: short protein forms G1068E.
Identifiers: ClinVar variation 490082 (VCV000490082.21), dbSNP rs759587160, ClinGen allele CA7963398.
Genomic context (GRCh38, chr16:23,608,011, plus strand): 5'-GGGCTTCGCAACGACTCACTCTCTTTGGCACAGGGATGACTCAGGACAATAAAGAGAAGC[C>T]CCTAATTTCGGAGAAAAATAAATATCCCAAATAGACTGTCAAGAGTATGTCAGGAAAAAT-3'
Protein context (NP_078951.2, residues 1058-1078): SVCHKAYSEM[Gly1068Glu]LLFIVLSHPC